The following is an entry in ClinVar:

NM_003072.5(SMARCA4):c.3009G>T (p.Leu1003=)

Gene: SMARCA4 (SWI/SNF related BAF chromatin remodeling complex subunit ATPase 4; plus strand). Cytogenetic location: 19p13.2.
Variant type: single nucleotide variant.
Coding change: c.3009G>T on transcript NM_003072.5 (MANE Select); coding-DNA position 3009, G replaced by T.
Protein change: p.Leu1003=; no amino-acid change (leucine 1003 retained).
Molecular consequence: synonymous variant. On other transcripts: non-coding transcript variant (1).
Genome position (GRCh38, 1-based): chr19:11,024,366, G>T. VCF-style: chr19-11024366-G-T. GRCh37 (hg19) VCF-style: chr19-11135042-G-T.
Other names: c.3009G>T, p.Leu1003= (NM_001128844.3, NM_001128845.2, NM_001128846.2 and 5 more transcripts).
Identifiers: ClinVar variation 238420 (VCV000238420.15), dbSNP rs767353166, ClinGen allele CA9204295.

ClinVar aggregate classification (germline): Benign/Likely benign. Review status: criteria provided, multiple submitters, no conflicts (2 of 4 stars). 3 submissions from 3 submitters: Benign (1); Likely benign (2). Last evaluated 2026-07-14.

Conditions:
Hereditary cancer-predisposing syndrome. Also called: Hereditary Cancer Syndrome; Tumor predisposition; Hereditary neoplastic syndrome; Neoplastic Syndromes, Hereditary. Identifiers: Orphanet 140162, MedGen C0027672, MeSH D009386, MONDO:0015356.
Rhabdoid tumor predisposition syndrome 2 (RTPS2). Identifiers: Orphanet 231108, Orphanet 69077, MedGen C2750074, MONDO:0013224, OMIM 613325.

Allele frequency attached by ClinVar (database versions not stated): gnomAD exomes below 0.00001; ExAC 0.00001; gnomAD 0.00001.
gnomAD v4.1: 6 of 1,612,946 alleles (0.00037%); highest among the groups gnomAD compares: Non-Finnish European, 0.00051%; no homozygotes.

Submissions (3):

Myriad Genetics, Inc.
Classification: Benign for Rhabdoid tumor predisposition syndrome 2. Last evaluated: 2026-07-14. Review status: criteria provided, single submitter. Criteria: Myriad Autosomal Dominant, Autosomal Recessive and X-Linked Classification Criteria (2023). Collection method: clinical testing. Allele origin: unknown.
Comment: This variant is considered benign. This variant is a silent/synonymous amino acid change and it is not expected to impact splicing.

Labcorp Genetics (formerly Invitae), Labcorp
Classification: Likely benign for Rhabdoid tumor predisposition syndrome 2. Last evaluated: 2025-09-14. Review status: criteria provided, single submitter. Criteria: Invitae Variant Classification Sherloc (09022015). Collection method: clinical testing. Allele origin: germline.

Ambry Genetics
Classification: Likely benign for Hereditary cancer-predisposing syndrome. Last evaluated: 2018-01-29. Review status: criteria provided, single submitter. Criteria: Ambry Variant Classification Scheme 2023. Collection method: clinical testing. Allele origin: germline.